The following is an entry in ClinVar:

ClinVar aggregate classification (germline): Likely benign (0 of 4 stars; one submission).

Conditions:
VCP-related disorder. Also called: VCP-related condition; VCP-related disorders.

gnomAD v4.1: 1 of 1,614,154 alleles (0.000062%); highest among the groups gnomAD compares: Non-Finnish European, 0.000085%; no homozygotes.

Submission:

PreventionGenetics, part of Exact Sciences
Classification: Likely benign for VCP-related condition. Last evaluated: 2023-10-18. Review status: no assertion criteria provided. Collection method: clinical testing. Allele origin: germline.
Comment: This variant is classified as likely benign based on ACMG/AMP sequence variant interpretation guidelines (Richards et al. 2015 PMID: 25741868, with internal and published modifications).

NM_007126.5(VCP):c.1839A>G (p.Thr613=)

Gene: VCP (valosin containing protein; minus strand). Cytogenetic location: 9p13.3.
Variant type: single nucleotide variant.
Coding change: c.1839A>G on transcript NM_007126.5 (MANE Select); coding-DNA position 1839, A replaced by G.
Protein change: p.Thr613=; no amino-acid change (threonine 613 retained).
Molecular consequence: synonymous variant.
Genome position (GRCh38, 1-based): chr9:35,059,658, T>C on the plus strand (A>G on the coding strand, the complement: VCP is on the minus strand). VCF-style: chr9-35059658-T-C. GRCh37 (hg19) VCF-style: chr9-35059655-T-C.
Other names: c.1704A>G, p.Thr568= (NM_001354927.2, NM_001354928.2).
Identifiers: ClinVar variation 3348373 (VCV003348373.1).